The following is an entry in ClinVar:

NM_001013742.4(DGKK):c.420G>A (p.Glu140=)

Gene: DGKK (diacylglycerol kinase kappa; minus strand). Cytogenetic location: Xp11.22.
Variant type: single nucleotide variant.
Coding change: c.420G>A on transcript NM_001013742.4 (MANE Select); coding-DNA position 420, G replaced by A.
Protein change: p.Glu140=; no amino-acid change (glutamic acid 140 retained).
Molecular consequence: synonymous variant.
Genome position (GRCh38, 1-based): chrX:50,470,259, C>T on the plus strand (G>A on the coding strand, the complement: DGKK is on the minus strand). VCF-style: chrX-50470259-C-T. GRCh37 (hg19) VCF-style: chrX-50213258-C-T.
Identifiers: ClinVar variation 3025943 (VCV003025943.22), dbSNP rs370418319, ClinGen allele CA516680971.
Genomic context (GRCh38, chrX:50,470,259, plus strand): 5'-CTCTGTCACAGGTTCTGGGGTCGGCTCTGGGGCCAGCTCTGGGGCAACTTCTGGAGTCAG[C>T]TCTGGGGCCGGCTCTGGGACCGACTCTAGGGCAGGTTCTGGAGTCGGCTCTGGGGCAGAC-3'
Protein context (NP_001013764.1, residues 130-150): ALESVPEPAP[Glu140=]LTPEVAPELA

ClinVar aggregate classification (germline): Likely benign (1 of 4 stars; one submission).

Submission:

CeGaT Center for Human Genetics Tuebingen
Classification: Likely benign. Last evaluated: 2024-02-01. Review status: criteria provided, single submitter. Criteria: CeGaT Center For Human Genetics Tuebingen Variant Classification Criteria Version 2. Collection method: clinical testing. Allele origin: germline. Affected: yes. Observed: 1 variant allele.
Comment: DGKK: PM2:Supporting, BP4, BP7